The following is an entry in ClinVar:

ClinVar aggregate classification (germline): Uncertain significance (1 of 4 stars; one submission).

Conditions:
Cardiovascular phenotype. Identifiers: MedGen CN230736.

Submission:

Ambry Genetics
Classification: Uncertain significance for Cardiovascular phenotype. Last evaluated: 2024-07-15. Review status: criteria provided, single submitter. Criteria: Ambry Variant Classification Scheme 2023. Collection method: clinical testing. Allele origin: germline.
Comment: The c.853-3A>G intronic variant results from an A to G substitution 3 nucleotides upstream from coding exon 7 in the GPD1L gene. This nucleotide position is not well conserved in available vertebrate species. In silico splice site analysis predicts that this alteration may result in the creation or strengthening of a novel splice acceptor site. The evidence for this gene-disease relationship is limited; therefore, the clinical significance of this alteration is unclear.

NM_015141.4(GPD1L):c.853-3A>G

Gene: GPD1L (glycerol-3-phosphate dehydrogenase 1 like; plus strand). Cytogenetic location: 3p22.3.
Variant type: single nucleotide variant.
Coding change: c.853-3A>G on transcript NM_015141.4 (MANE Select); 3 bases into the intron before coding-DNA position 853, A replaced by G.
Molecular consequence: intron variant.
Genome position (GRCh38, 1-based): chr3:32,159,565, A>G. VCF-style: chr3-32159565-A-G. GRCh37 (hg19) VCF-style: chr3-32201057-A-G.
Identifiers: ClinVar variation 3521605 (VCV003521605.1).